The following is an entry in ClinVar:

ClinVar aggregate classification (germline): Conflicting classifications of pathogenicity. Review status: criteria provided, conflicting classifications (1 of 4 stars). 4 submissions from 4 submitters: Uncertain significance (3); Likely benign (1). Last evaluated 2025-06-01.

Conditions:
Inherited prion disease. Identifiers: Orphanet 280400, MedGen C5679775, MONDO:0017234.
Huntington disease-like 1 (HDL1). Also called: HUNTINGTON-LIKE NEURODEGENERATIVE DISORDER 1; HUNTINGTON-LIKE NEURODEGENERATIVE DISORDER, AUTOSOMAL DOMINANT; PRION DISEASE, EARLY-ONSET, WITH PROMINENT PSYCHIATRIC FEATURES. Identifiers: Orphanet 157941, MedGen C1864112, MONDO:0011299, OMIM 603218.

Allele frequency attached by ClinVar (database versions not stated): gnomAD 0.00001; TOPMed 0.00001; gnomAD exomes 0.00003.
gnomAD v4.1: 49 of 1,613,532 alleles (0.003%); highest among the groups gnomAD compares: Non-Finnish European, 0.0041%; no homozygotes.

Submissions (4):

CeGaT Center for Human Genetics Tuebingen
Classification: Likely benign. Last evaluated: 2025-06-01. Review status: criteria provided, single submitter. Criteria: CeGaT Center For Human Genetics Tuebingen Variant Classification Criteria Version 2. Collection method: clinical testing. Allele origin: germline. Affected: yes. Observed: 1 variant allele.
Comment: PRNP: BP5

Labcorp Genetics (formerly Invitae), Labcorp
Classification: Uncertain significance for Huntington disease-like 1. Last evaluated: 2024-07-19. Review status: criteria provided, single submitter. Criteria: Invitae Variant Classification Sherloc (09022015). Collection method: clinical testing. Allele origin: germline.
Comment: This sequence change replaces arginine, which is basic and polar, with histidine, which is basic and polar, at codon 48 of the PRNP protein (p.Arg48His). This variant is not present in population databases (gnomAD no frequency). This variant has not been reported in the literature in individuals affected with PRNP-related conditions. ClinVar contains an entry for this variant (Variation ID: 895060). Advanced modeling of protein sequence and biophysical properties (such as structural, functional, and spatial information, amino acid conservation, physicochemical variation, residue mobility, and thermodynamic stability) performed at Invitae indicates that this missense variant is not expected to disrupt PRNP protein function with a negative predictive value of 80%. In summary, the available evidence is currently insufficient to determine the role of this variant in disease. Therefore, it has been classified as a Variant of Uncertain Significance.

ARUP Laboratories, Molecular Genetics and Genomics, ARUP Laboratories
Classification: Uncertain significance. Last evaluated: 2021-03-09. Review status: criteria provided, single submitter. Criteria: ARUP Molecular Germline Variant Investigation Process 2021. Collection method: clinical testing. Allele origin: germline.
Comment: The PRNP c.143G>A; p.Arg48His variant (rs945136467), to our knowledge, is not reported in the medical literature but is reported in ClinVar (Variation ID: 895060). This variant is absent from general population databases (Exome Variant Server, Genome Aggregation Database), indicating it is not a common polymorphism. The arginine at codon 48 is moderately conserved, and computational analyses are uncertain whether this variant is neutral or deleterious (REVEL: 0.469). Due to limited information, the clinical significance of the p.Arg48His variant is uncertain at this time.

Illumina Laboratory Services, Illumina
Classification: Uncertain significance for Genetic prion diseases. Last evaluated: 2018-01-13. Review status: criteria provided, single submitter. Criteria: ICSL Variant Classification Criteria 13 December 2019. Collection method: clinical testing. Allele origin: germline.

NM_000311.5(PRNP):c.143G>A (p.Arg48His)

Gene: PRNP (prion protein (Kanno blood group); plus strand). Cytogenetic location: 20p13.
Variant type: single nucleotide variant.
Coding change: c.143G>A on transcript NM_000311.5 (MANE Select); coding-DNA position 143, G replaced by A.
Protein change: p.Arg48His; replaces arginine 48 with histidine.
Molecular consequence: missense variant. On other transcripts: synonymous variant (1).
Genome position (GRCh38, 1-based): chr20:4,699,363, G>A. VCF-style: chr20-4699363-G-A. GRCh37 (hg19) VCF-style: chr20-4680009-G-A.
Other names: c.143G>A, p.Arg48His (NM_001080121.3, NM_001080122.3, NM_001080123.3 and 1 more transcripts); c.54G>A, p.Pro18= (NM_001271561.3); short protein forms R48H.
Identifiers: ClinVar variation 895060 (VCV000895060.19), dbSNP rs945136467, ClinGen allele CA311093220.